The following is an entry in ClinVar:

ClinVar aggregate classification (germline): Uncertain significance (1 of 4 stars; one submission).

Allele frequency attached by ClinVar (database versions not stated): gnomAD exomes below 0.00001.
gnomAD v4.1: 5 of 1,561,312 alleles (0.00032%); highest among the groups gnomAD compares: Non-Finnish European, 0.00035%; no homozygotes.

Submission:

GeneDx
Classification: Uncertain significance. Last evaluated: 2020-04-02. Review status: criteria provided, single submitter. Criteria: GeneDx Variant Classification Process June 2021. Collection method: clinical testing. Allele origin: germline. Affected: yes.
Comment: Has not been previously published as pathogenic or benign to our knowledge; Not observed in large population cohorts (Lek et al., 2016); In silico analysis supports that this missense variant does not alter protein structure/function

NM_000939.4(POMC):c.221C>A (p.Pro74His)

Gene: POMC (proopiomelanocortin; minus strand). Cytogenetic location: 2p23.3.
Variant type: single nucleotide variant.
Coding change: c.221C>A on transcript NM_000939.4 (MANE Select); coding-DNA position 221, C replaced by A.
Protein change: p.Pro74His; replaces proline 74 with histidine.
Molecular consequence: missense variant.
Genome position (GRCh38, 1-based): chr2:25,161,664, G>T on the plus strand (C>A on the coding strand, the complement: POMC is on the minus strand). VCF-style: chr2-25161664-G-T. GRCh37 (hg19) VCF-style: chr2-25384533-G-T.
Other names: c.221C>A, p.Pro74His (NM_001035256.3, NM_001319204.2, NM_001319205.2); short protein forms P74H.
Identifiers: ClinVar variation 1318730 (VCV001318730.2), dbSNP rs1671387302, ClinGen allele CA346067519.